The following is an entry in ClinVar:

NM_018082.6(POLR3B):c.2672C>G (p.Pro891Arg)

Gene: POLR3B (RNA polymerase III subunit B; plus strand). Cytogenetic location: 12q23.3.
Variant type: single nucleotide variant.
Coding change: c.2672C>G on transcript NM_018082.6 (MANE Select); coding-DNA position 2672, C replaced by G.
Protein change: p.Pro891Arg; replaces proline 891 with arginine.
Molecular consequence: missense variant.
Genome position (GRCh38, 1-based): chr12:106,463,579, C>G. VCF-style: chr12-106463579-C-G. GRCh37 (hg19) VCF-style: chr12-106857357-C-G.
Other names: c.2498C>G, p.Pro833Arg (NM_001160708.2); short protein forms P833R, P891R.
Identifiers: ClinVar variation 2763128 (VCV002763128.3), dbSNP rs2542175532, ClinGen allele CA386391025.

ClinVar aggregate classification (germline): Uncertain significance (1 of 4 stars; one submission).

Allele frequency attached by ClinVar (database versions not stated): gnomAD exomes below 0.00001.
gnomAD v4.1: 1 of 1,613,582 alleles (0.000062%); highest among the groups gnomAD compares: Non-Finnish European, 0.000085%; no homozygotes.

Submission:

Labcorp Genetics (formerly Invitae), Labcorp
Classification: Uncertain significance. Last evaluated: 2024-10-28. Review status: criteria provided, single submitter. Criteria: Invitae Variant Classification Sherloc (09022015). Collection method: clinical testing. Allele origin: germline.
Comment: This sequence change replaces proline, which is neutral and non-polar, with arginine, which is basic and polar, at codon 891 of the POLR3B protein (p.Pro891Arg). This variant is not present in population databases (gnomAD no frequency). This variant has not been reported in the literature in individuals affected with POLR3B-related conditions. Invitae Evidence Modeling of protein sequence and biophysical properties (such as structural, functional, and spatial information, amino acid conservation, physicochemical variation, residue mobility, and thermodynamic stability) indicates that this missense variant is expected to disrupt POLR3B protein function with a positive predictive value of 80%. In summary, the available evidence is currently insufficient to determine the role of this variant in disease. Therefore, it has been classified as a Variant of Uncertain Significance.